The following is an entry in ClinVar:

ClinVar aggregate classification (germline): Uncertain significance (1 of 4 stars; one submission).

Submission:

Labcorp Genetics (formerly Invitae), Labcorp
Classification: Uncertain significance. Last evaluated: 2022-03-30. Review status: criteria provided, single submitter. Criteria: Invitae Variant Classification Sherloc (09022015). Collection method: clinical testing. Allele origin: germline.
Comment: Algorithms developed to predict the effect of missense changes on protein structure and function are either unavailable or do not agree on the potential impact of this missense change (SIFT: "Deleterious"; PolyPhen-2: "Possibly Damaging"; Align-GVGD: "Class C0"). In summary, the available evidence is currently insufficient to determine the role of this variant in disease. Therefore, it has been classified as a Variant of Uncertain Significance. This variant has not been reported in the literature in individuals affected with PSMB4-related conditions. This variant is not present in population databases (gnomAD no frequency). This sequence change replaces isoleucine, which is neutral and non-polar, with phenylalanine, which is neutral and non-polar, at codon 67 of the PSMB4 protein (p.Ile67Phe).

NM_002796.3(PSMB4):c.199A>T (p.Ile67Phe)

Gene: PSMB4 (proteasome 20S subunit beta 4; plus strand). Cytogenetic location: 1q21.3.
Variant type: single nucleotide variant.
Coding change: c.199A>T on transcript NM_002796.3 (MANE Select); coding-DNA position 199, A replaced by T.
Protein change: p.Ile67Phe; replaces isoleucine 67 with phenylalanine.
Molecular consequence: missense variant.
Genome position (GRCh38, 1-based): chr1:151,400,039, A>T. VCF-style: chr1-151400039-A-T. GRCh37 (hg19) VCF-style: chr1-151372515-A-T.
Other names: short protein forms I67F.
Identifiers: ClinVar variation 2119665 (VCV002119665.4), dbSNP rs2529156481, ClinGen allele CA341920712.